The following is an entry in ClinVar:

ClinVar aggregate classification (germline): Uncertain significance (1 of 4 stars; one submission).

Submission:

Labcorp Genetics (formerly Invitae), Labcorp
Classification: Uncertain significance. Last evaluated: 2024-03-25. Review status: criteria provided, single submitter. Criteria: Invitae Variant Classification Sherloc (09022015). Collection method: clinical testing. Allele origin: germline.
Comment: This sequence change replaces isoleucine, which is neutral and non-polar, with leucine, which is neutral and non-polar, at codon 1751 of the VCAN protein (p.Ile1751Leu). This variant is not present in population databases (gnomAD no frequency). This variant has not been reported in the literature in individuals affected with VCAN-related conditions. Algorithms developed to predict the effect of missense changes on protein structure and function output the following: SIFT: "Not Available"; PolyPhen-2: "Benign"; Align-GVGD: "Not Available". The leucine amino acid residue is found in multiple mammalian species, which suggests that this missense change does not adversely affect protein function. In summary, the available evidence is currently insufficient to determine the role of this variant in disease. Therefore, it has been classified as a Variant of Uncertain Significance.

NM_004385.5(VCAN):c.5251A>C (p.Ile1751Leu)

Genes: VCAN (versican; plus strand), VCAN-AS1 (VCAN antisense RNA 1; minus strand). Cytogenetic location: 5q14.3.
Variant type: single nucleotide variant.
Coding change: c.5251A>C on transcript NM_004385.5 (MANE Select); coding-DNA position 5251, A replaced by C.
Protein change: p.Ile1751Leu; replaces isoleucine 1751 with leucine.
Molecular consequence: missense variant. On other transcripts: intron variant (2).
Genome position (GRCh38, 1-based): chr5:83,538,254, A>C. VCF-style: chr5-83538254-A-C. GRCh37 (hg19) VCF-style: chr5-82834073-A-C.
Other names: c.2290A>C, p.Ile764Leu (NM_001164097.2); c.4004-7283A>C (NM_001164098.2); c.1043-7283A>C (NM_001126336.3); short protein forms I1751L, I764L.
Identifiers: ClinVar variation 2780870 (VCV002780870.3), dbSNP rs2479107448, ClinGen allele CA360310003.